The following is an entry in ClinVar:

ClinVar aggregate classification (germline): Uncertain significance (1 of 4 stars; one submission).

gnomAD v4.1: 28 of 1,584,560 alleles (0.0018%); highest among the groups gnomAD compares: South Asian, 0.021%; no homozygotes.

Submission:

Labcorp Genetics (formerly Invitae), Labcorp
Classification: Uncertain significance. Last evaluated: 2025-11-17. Review status: criteria provided, single submitter. Criteria: Invitae Variant Classification Sherloc (09022015). Collection method: clinical testing. Allele origin: germline.
Comment: This sequence change falls in intron 8 of the COL11A1 gene. It does not directly change the encoded amino acid sequence of the COL11A1 protein. This variant is present in population databases (rs778362335, gnomAD 0.003%). This variant has not been reported in the literature in individuals affected with COL11A1-related conditions. ClinVar contains an entry for this variant (Variation ID: 3627091). Algorithms developed to predict the effect of sequence changes on RNA splicing suggest that this variant may disrupt the consensus splice site. In summary, the available evidence is currently insufficient to determine the role of this variant in disease. Therefore, it has been classified as a Variant of Uncertain Significance.

NM_001854.4(COL11A1):c.1246-13T>C

Gene: COL11A1 (collagen type XI alpha 1 chain; minus strand). Cytogenetic location: 1p21.1.
Variant type: single nucleotide variant.
Coding change: c.1246-13T>C on transcript NM_001854.4 (MANE Select); 13 bases into the intron before coding-DNA position 1246, T replaced by C.
Molecular consequence: intron variant.
Genome position (GRCh38, 1-based): chr1:103,021,782, A>G on the plus strand (T>C on the coding strand, the complement: COL11A1 is on the minus strand). VCF-style: chr1-103021782-A-G. GRCh37 (hg19) VCF-style: chr1-103487338-A-G.
Other names: c.1129-13T>C (NM_001190709.2); c.1282-13T>C (NM_080629.3); c.898-13T>C (NM_080630.4).
Identifiers: ClinVar variation 3627091 (VCV003627091.2).